The following is an entry in ClinVar:

NM_007294.4(BRCA1):c.1635G>A (p.Val545=)

Gene: BRCA1 (BRCA1 DNA repair associated; minus strand). Cytogenetic location: 17q21.31.
Variant type: single nucleotide variant.
Coding change: c.1635G>A on transcript NM_007294.4 (MANE Select); coding-DNA position 1635, G replaced by A.
Protein change: p.Val545=; no amino-acid change (valine 545 retained).
Molecular consequence: synonymous variant. On other transcripts: intron variant (137).
Genome position (GRCh38, 1-based): chr17:43,093,896, C>T on the plus strand (G>A on the coding strand, the complement: BRCA1 is on the minus strand). VCF-style: chr17-43093896-C-T. GRCh37 (hg19) VCF-style: chr17-41245913-C-T.
Other names: c.1632G>A, p.Val544= (NM_001407615.1, NM_001407627.1, NM_001407628.1 and 22 more transcripts); c.1635G>A, p.Val545= (NM_001407616.1, NM_001407617.1, NM_001407618.1 and 30 more transcripts); c.1626G>A, p.Val542= (NM_001407646.1, NM_001407647.1); c.1512G>A, p.Val504= (NM_001407648.1, NM_001407664.1, NM_001407665.1 and 19 more transcripts); c.1509G>A, p.Val503= (NM_001407649.1, NM_001407670.1, NM_001407671.1 and 11 more transcripts); c.1557G>A, p.Val519= (NM_001407653.1, NM_001407654.1, NM_001407655.1 and 4 more transcripts); c.1554G>A, p.Val518= (NM_001407659.1, NM_001407660.1, NM_001407661.1 and 1 more transcripts); c.1494G>A, p.Val498= (NM_001407692.1, NM_001407694.1, NM_001407695.1 and 29 more transcripts); and 40 more.
Identifiers: ClinVar variation 184612 (VCV000184612.6), dbSNP rs770842236, ClinGen allele CA001084.

ClinVar aggregate classification (germline): Likely benign. Review status: reviewed by expert panel (3 of 4 stars). 2 submissions from 2 submitters: Likely benign (1). 1 of the submissions does not count toward it. Last evaluated 2017-06-29.

Conditions:
Hereditary cancer-predisposing syndrome. Also called: Hereditary Cancer Syndrome; Hereditary neoplastic syndrome; Tumor predisposition; Neoplastic Syndromes, Hereditary. Identifiers: Orphanet 140162, MedGen C0027672, MeSH D009386, MONDO:0015356.
Breast-ovarian cancer, familial, susceptibility to, 1 (BROVCA1). Also called: OVARIAN CANCER, SUSCEPTIBILITY TO; BRCA1 Hereditary Breast and Ovarian Cancer. Identifiers: Orphanet 145, MedGen C2676676, MONDO:0011450, OMIM 604370. Disease mechanism: loss of function.

Allele frequency attached by ClinVar (database versions not stated): gnomAD exomes below 0.00001; ExAC 0.00001.

Submissions (2):

Evidence-based Network for the Interpretation of Germline Mutant Alleles (ENIGMA)
Classification: Likely benign for Breast-ovarian cancer, familial, susceptibility to, 1. Last evaluated: 2017-06-29. Review status: reviewed by expert panel. Criteria: ENIGMA BRCA1/2 Classification Criteria (2017-06-29). Collection method: curation. Allele origin: germline.
Comment: Synonymous substitution variant, with low bioinformatic likelihood to result in a splicing aberration (Splicing prior probability 0.02).

Ambry Genetics
Classification: Likely benign for Hereditary cancer-predisposing syndrome. Last evaluated: 2014-03-05. Review status: criteria provided, single submitter. Criteria: Ambry Autosomal Dominant and X-Linked criteria (10/2015). Collection method: clinical testing. Allele origin: germline. Observed: 1 variant allele. Not counted in ClinVar's aggregate classification.